The following is an entry in ClinVar:

NM_031418.4(ANO3):c.2458G>T (p.Gly820Cys)

Gene: ANO3 (anoctamin 3; plus strand). Cytogenetic location: 11p14.2.
Variant type: single nucleotide variant.
Coding change: c.2458G>T on transcript NM_031418.4 (MANE Select); coding-DNA position 2458, G replaced by T.
Protein change: p.Gly820Cys; replaces glycine 820 with cysteine.
Molecular consequence: missense variant.
Genome position (GRCh38, 1-based): chr11:26,647,738, G>T. VCF-style: chr11-26647738-G-T. GRCh37 (hg19) VCF-style: chr11-26669285-G-T.
Other names: c.2641G>T, p.Gly881Cys (NM_001313726.2); c.2020G>T, p.Gly674Cys (NM_001313727.2); short protein forms G674C, G820C, G881C.
Identifiers: ClinVar variation 3343096 (VCV003343096.1).

ClinVar aggregate classification (germline): Uncertain significance (1 of 4 stars; one submission).

gnomAD v4.1: 6 of 1,608,506 alleles (0.00037%); highest among the groups gnomAD compares: South Asian, 0.0011%; no homozygotes.

Submission:

GeneDx
Classification: Uncertain significance. Last evaluated: 2023-04-13. Review status: criteria provided, single submitter. Criteria: GeneDx Variant Classification Process June 2021. Collection method: clinical testing. Allele origin: germline. Affected: yes.
Comment: Not observed at significant frequency in large population cohorts (gnomAD); In silico analysis supports that this missense variant has a deleterious effect on protein structure/function; Has not been previously published as pathogenic or benign to our knowledge